The following is an entry in ClinVar:

ClinVar aggregate classification (germline): Pathogenic. Review status: criteria provided, multiple submitters, no conflicts (2 of 4 stars). 2 submissions from 2 submitters: Pathogenic (2). Last evaluated 2022-05-27.

Conditions:
Tuberous sclerosis 1 (TSC1). Identifiers: Orphanet 805, MedGen C1854465, MONDO:0008612, OMIM 191100.

Submissions (2):

Clinical Genetics Laboratory, Skane University Hospital Lund
Classification: Pathogenic. Last evaluated: 2022-05-27. Review status: criteria provided, single submitter. Criteria: ACMG Guidelines, 2015. Collection method: clinical testing. Allele origin: germline. Affected: yes.

Labcorp Genetics (formerly Invitae), Labcorp
Classification: Pathogenic for Tuberous sclerosis 1. Last evaluated: 2020-11-03. Review status: criteria provided, single submitter. Criteria: Invitae Variant Classification Sherloc (09022015). Collection method: clinical testing. Allele origin: germline.
Comment: For these reasons, this variant has been classified as Pathogenic. Loss-of-function variants in TSC1 are known to be pathogenic (PMID: 10227394, 17304050). This variant has been observed in an individual affected with tuberous sclerosis (PMID: 25782670). This variant is not present in population databases (ExAC no frequency). This sequence change creates a premature translational stop signal (p.Lys907Asnfs*24) in the TSC1 gene. It is expected to result in an absent or disrupted protein product.

Literature cited by the submitters: PubMed 10227394 (cited by Labcorp Genetics (formerly Invitae), Labcorp); PubMed 17304050 (cited by Labcorp Genetics (formerly Invitae), Labcorp); PubMed 25782670 (cited by Labcorp Genetics (formerly Invitae), Labcorp).

NM_000368.5(TSC1):c.2721del (p.Lys907fs)

Gene: TSC1 (TSC complex subunit 1; minus strand). Cytogenetic location: 9q34.13.
Variant type: Deletion.
Coding change: c.2721del on transcript NM_000368.5 (MANE Select); coding-DNA position 2721, one base deleted (A; older notation c.2721delA).
Protein change: p.Lys907fs; shifts the reading frame from lysine 907.
Molecular consequence: frameshift variant.
Genome position (GRCh38, 1-based): chr9:132,897,515, T deleted on the plus strand (A on the coding strand, the reverse complement: TSC1 is on the minus strand); the first of 5 consecutive T bases (chr9:132,897,515-132,897,519); deleting any one gives the same sequence. VCF-style (leftmost placement, unchanged base first): chr9-132897514-GT-G. GRCh37 (hg19) VCF-style: chr9-135772901-GT-G.
Other names: c.2721delA (NM_000368.4); c.2718del, p.Lys906fs (NM_001162426.2); c.2568del, p.Lys856fs (NM_001162427.2); c.2358del, p.Lys786fs (NM_001362177.2); short protein forms K786fs, K907fs, K856fs, K906fs.
Identifiers: ClinVar variation 658887 (VCV000658887.11), dbSNP rs1588290641, ClinGen allele CA915947223.